The following is an entry in ClinVar:

ClinVar aggregate classification (germline): Likely benign. Review status: criteria provided, single submitter (1 of 4 stars). 2 submissions from 2 submitters: Likely benign (1). 1 of the submissions does not count toward it. Last evaluated 2025-08-11.

Conditions:
PKP1-related disorder. Also called: PKP1-related condition.

Allele frequency attached by ClinVar (database versions not stated): ExAC 0.00045; TOPMed 0.00127; ESP Exome Variant Server 0.00100; 1000 Genomes Project 30x 0.00125; gnomAD exomes 0.00015; gnomAD 0.00110; 1000 Genomes Project 0.00160.
gnomAD v4.1: 397 of 1,614,098 alleles (0.025%); highest among the groups gnomAD compares: African/African-American, 0.33%; 1 homozygote.

Submissions (2):

Labcorp Genetics (formerly Invitae), Labcorp
Classification: Likely benign. Last evaluated: 2025-08-11. Review status: criteria provided, single submitter. Criteria: Invitae Variant Classification Sherloc (09022015). Collection method: clinical testing. Allele origin: germline.

PreventionGenetics, part of Exact Sciences
Classification: Likely benign for PKP1-related condition. Last evaluated: 2022-05-17. Review status: no assertion criteria provided. Collection method: clinical testing. Allele origin: germline. Not counted in ClinVar's aggregate classification.
Comment: This variant is classified as likely benign based on ACMG/AMP sequence variant interpretation guidelines (Richards et al. 2015 PMID: 25741868, with internal and published modifications).

NM_001005337.3(PKP1):c.1586G>A (p.Arg529His)

Gene: PKP1 (plakophilin 1; plus strand). Cytogenetic location: 1q32.1.
Variant type: single nucleotide variant.
Coding change: c.1586G>A on transcript NM_001005337.3 (MANE Select); coding-DNA position 1586, G replaced by A.
Protein change: p.Arg529His; replaces arginine 529 with histidine.
Molecular consequence: missense variant.
Genome position (GRCh38, 1-based): chr1:201,323,095, G>A. VCF-style: chr1-201323095-G-A. GRCh37 (hg19) VCF-style: chr1-201292223-G-A.
Other names: c.1649G>A, p.Arg550His (NM_000299.4); short protein forms R529H, R550H.
Identifiers: ClinVar variation 3052536 (VCV003052536.4), dbSNP rs143362477, ClinGen allele CA1324551.
Genomic context (GRCh38, chr1:201,323,095, plus strand): 5'-TGCCTGAGGAAGAGACCAACCCCAAGGGCAGCGGCTGGTTGTACCATTCAGATGCCATCC[G>A]CACCTACCTGAACCTCATGGGCAAGAGCAAGAAAGATGCTACCCTGGAGGCCTGTGCTGG-3'
Protein context (NP_001005337.1, residues 519-539): SGWLYHSDAI[Arg529His]TYLNLMGKSK